The following is an entry in ClinVar:

NM_001098426.2(SMARCD2):c.1545G>A (p.Val515=)

Gene: SMARCD2 (SWI/SNF related BAF chromatin remodeling complex subunit D2; minus strand). Cytogenetic location: 17q23.3.
Variant type: single nucleotide variant.
Coding change: c.1545G>A on transcript NM_001098426.2 (MANE Select); coding-DNA position 1545, G replaced by A.
Protein change: p.Val515=; no amino-acid change (valine 515 retained).
Molecular consequence: synonymous variant.
Genome position (GRCh38, 1-based): chr17:63,832,989, C>T on the plus strand (G>A on the coding strand, the complement: SMARCD2 is on the minus strand). VCF-style: chr17-63832989-C-T. GRCh37 (hg19) VCF-style: chr17-61910349-C-T.
Other names: p.Val515=; c.1320G>A, p.Val440= (NM_001330439.1); c.1401G>A, p.Val467= (NM_001330440.2).
Identifiers: ClinVar variation 790464 (VCV000790464.21), dbSNP rs181910740, ClinGen allele CA8706156.
Genomic context (GRCh38, chr17:63,832,989, plus strand): 5'-CCTGAGCAGTTAGGTCAGGCGAATTCCCAGCACCTGTTCCAGTTCCTGCCTTCGCTGCTG[C>T]ACCTGGAGAAGGGAGAAACCAAGTGGCTCAGGCCTTTGCTACTCACGGCCAAAGGAGGGA-3'
Protein context (NP_001091896.1, residues 505-525): EAVGRHIFAK[Val515=]QQRRQELEQV

ClinVar aggregate classification (germline): Benign/Likely benign. Review status: criteria provided, multiple submitters, no conflicts (2 of 4 stars). 7 submissions from 7 submitters: Benign (3); Likely benign (3). 1 of the submissions does not count toward it. Last evaluated 2026-02-03.

Conditions:
SMARCD2-related disorder. Also called: SMARCD2-related condition.
Specific granule deficiency 2 (SGD2). Identifiers: MedGen C4479548, MONDO:0044208, OMIM 617475.

Allele frequency attached by ClinVar (database versions not stated): 1000 Genomes Project 30x 0.00094; 1000 Genomes Project 0.00100; TOPMed 0.00221; ESP Exome Variant Server 0.00252; gnomAD 0.00276; gnomAD exomes 0.00308 and 0.00460; ExAC 0.00557.
gnomAD v4.1: 6,944 of 1,586,544 alleles (0.44%); highest among the groups gnomAD compares: Non-Finnish European, 0.5%; 33 homozygotes.

Submissions (7):

Labcorp Genetics (formerly Invitae), Labcorp
Classification: Benign. Last evaluated: 2026-02-03. Review status: criteria provided, single submitter. Criteria: Invitae Variant Classification Sherloc (09022015). Collection method: clinical testing. Allele origin: germline.

CeGaT Center for Human Genetics Tuebingen
Classification: Likely benign. Last evaluated: 2026-01-01. Review status: criteria provided, single submitter. Criteria: CeGaT Center For Human Genetics Tuebingen Variant Classification Criteria Version 2. Collection method: clinical testing. Allele origin: germline. Affected: yes. Observed: 1 variant allele.
Comment: SMARCD2: BP4, BS2

Blueprint Genetics
Classification: Likely benign. Last evaluated: 2024-11-27. Review status: criteria provided, single submitter. Criteria: ACMG Guidelines, 2015. Collection method: clinical testing. Allele origin: germline.

Mayo Clinic Laboratories, Mayo Clinic
Classification: Benign. Last evaluated: 2024-08-28. Review status: criteria provided, single submitter. Criteria: ACMG Guidelines, 2015. Collection method: clinical testing. Allele origin: germline. Observed: 5 variant alleles.
Comment: BS1, BS2, BP4, BP7

Fulgent Genetics
Classification: Likely benign for Specific granule deficiency 2. Last evaluated: 2022-02-07. Review status: criteria provided, single submitter. Criteria: ACMG Guidelines, 2015. Collection method: clinical testing. Allele origin: unknown.

Breakthrough Genomics
Classification: Benign. Review status: criteria provided, single submitter. Criteria: ACMG Guidelines, 2015. Collection method: not provided. Allele origin: germline. Inheritance: Autosomal recessive inheritance. Affected: yes.

PreventionGenetics, part of Exact Sciences
Classification: Likely benign for SMARCD2-related condition. Last evaluated: 2019-04-10. Review status: no assertion criteria provided. Collection method: clinical testing. Allele origin: germline. Not counted in ClinVar's aggregate classification.
Comment: This variant is classified as likely benign based on ACMG/AMP sequence variant interpretation guidelines (Richards et al. 2015 PMID: 25741868, with internal and published modifications).